The following is an entry in ClinVar:

NM_005159.5(ACTC1):c.1070T>G (p.Met357Arg)

Genes: ACTC1 (actin alpha cardiac muscle 1; minus strand), GJD2-DT (GJD2 divergent transcript; plus strand). Cytogenetic location: 15q14.
Variant type: single nucleotide variant.
Coding change: c.1070T>G on transcript NM_005159.5 (MANE Select); coding-DNA position 1070, T replaced by G.
Protein change: p.Met357Arg; replaces methionine 357 with arginine.
Molecular consequence: missense variant.
Genome position (GRCh38, 1-based): chr15:34,790,476, A>C on the plus strand (T>G on the coding strand, the complement: ACTC1 is on the minus strand). VCF-style: chr15-34790476-A-C. GRCh37 (hg19) VCF-style: chr15-35082677-A-C.
Other names: c.1070T>G, p.Met357Arg (NM_001406482.1, NM_001406483.1); c.935T>G, p.Met312Arg (NM_001406484.1); c.629T>G, p.Met210Arg (NM_001406485.1); short protein forms M210R, M312R, M357R.
Identifiers: ClinVar variation 3073459 (VCV003073459.1), dbSNP rs2504175991, ClinGen allele CA391628892.

ClinVar aggregate classification (germline): Uncertain significance (1 of 4 stars; one submission).

Conditions:
Hypertrophic cardiomyopathy. Also called: HYPERTROPHIC MYOCARDIOPATHY. Identifiers: Orphanet 217569, MedGen C0007194, MeSH D002312, MONDO:0005045, HP:0001639.

Submission:

All of Us Research Program, National Institutes of Health
Classification: Uncertain significance for Hypertrophic cardiomyopathy. Last evaluated: 2023-09-17. Review status: criteria provided, single submitter. Criteria: ACMG Guidelines, 2015. Collection method: clinical testing. Allele origin: germline. Inheritance: Autosomal dominant inheritance. Observed: 1 variant allele, 1 heterozygote.
Comment: This missense variant replaces methionine with arginine at codon 357 of the ACTC1 protein. Computational prediction suggests that this variant may have a deleterious impact on protein structure and function (internally defined REVEL score threshold >= 0.7, PMID: 27666373). To our knowledge, functional studies have not been reported for this variant. This variant has not been reported in individuals affected with ACTC1-related disorders in the literature. This variant has not been identified in the general population by the Genome Aggregation Database (gnomAD). The available evidence is insufficient to determine the role of this variant in disease conclusively. Therefore, this variant is classified as a Variant of Uncertain Significance.

This study involves interpretation of variants in research participants for the purpose of population health screening. Participant phenotype was not available at the time of variant classification. Additional details can be found in publication PMID: 35346344, PMCID: PMC8962531